The following is an entry in ClinVar:

ClinVar aggregate classification (germline): Uncertain significance. Review status: criteria provided, multiple submitters, no conflicts (2 of 4 stars). 2 submissions from 2 submitters: Uncertain significance (2). Last evaluated 2025-12-09.

Conditions:
Hereditary cancer-predisposing syndrome. Also called: Neoplastic Syndromes, Hereditary; Tumor predisposition; Hereditary neoplastic syndrome; Hereditary Cancer Syndrome. Identifiers: Orphanet 140162, MedGen C0027672, MeSH D009386, MONDO:0015356.

Allele frequency attached by ClinVar (database versions not stated): gnomAD exomes below 0.00001; ExAC 0.00001.
gnomAD v4.1: 1 of 1,613,262 alleles (0.000062%); highest among the groups gnomAD compares: Middle Eastern, 0.017%; no homozygotes.

Submissions (2):

Labcorp Genetics (formerly Invitae), Labcorp
Classification: Uncertain significance. Last evaluated: 2025-12-09. Review status: criteria provided, single submitter. Criteria: Invitae Variant Classification Sherloc (09022015). Collection method: clinical testing. Allele origin: germline.
Comment: This sequence change replaces serine, which is neutral and polar, with asparagine, which is neutral and polar, at codon 73 of the NTHL1 protein (p.Ser73Asn). This variant is present in population databases (rs747885276, gnomAD 0.0009%). This variant has not been reported in the literature in individuals affected with NTHL1-related conditions. ClinVar contains an entry for this variant (Variation ID: 641498). An algorithm developed to predict the effect of missense changes on protein structure and function (PolyPhen-2) suggests that this variant is likely to be tolerated. In summary, the available evidence is currently insufficient to determine the role of this variant in disease. Therefore, it has been classified as a Variant of Uncertain Significance.

Ambry Genetics
Classification: Uncertain significance for Hereditary cancer-predisposing syndrome. Last evaluated: 2025-09-23. Review status: criteria provided, single submitter. Criteria: Ambry Variant Classification Scheme 2023. Collection method: clinical testing. Allele origin: germline.
Comment: The p.S73N variant (also known as c.218G>A), located in coding exon 2 of the NTHL1 gene, results from a G to A substitution at nucleotide position 218. The serine at codon 73 is replaced by asparagine, an amino acid with highly similar properties. This amino acid position is poorly conserved in available vertebrate species. In addition, this alteration is predicted to be tolerated by in silico analysis. Since supporting evidence is limited at this time, the clinical significance of this alteration remains unclear.

NM_002528.7(NTHL1):c.194G>A (p.Ser65Asn)

Gene: NTHL1 (nth like DNA glycosylase 1; minus strand). Cytogenetic location: 16p13.3.
Variant type: single nucleotide variant.
Coding change: c.194G>A on transcript NM_002528.7 (MANE Select); coding-DNA position 194, G replaced by A.
Protein change: p.Ser65Asn; replaces serine 65 with asparagine.
Molecular consequence: missense variant.
Genome position (GRCh38, 1-based): chr16:2,046,288, C>T on the plus strand (G>A on the coding strand, the complement: NTHL1 is on the minus strand). VCF-style: chr16-2046288-C-T. GRCh37 (hg19) VCF-style: chr16-2096289-C-T.
Other names: c.194G>A, p.Ser65Asn (NM_001318193.2, LRG_1366t1); c.16G>A, p.Val6Met (NM_001318194.2); short protein forms V6M, S65N.
Identifiers: ClinVar variation 641498 (VCV000641498.10), dbSNP rs747885276, ClinGen allele CA7828342.
Genomic context (GRCh38, chr16:2,046,288, plus strand): 5'-TGCCAGTCCTGGGGCTCCCAGACTGGCACCTTGAGGGGCTCAGCCCCCTCACCTTTCTCA[C>T]TGTCCGAGCCCTCATAGGCCACACGCAGTCTCTGTGCTTTCCGCGGACGCTTCACGGGGC-3'
Protein context (NP_002519.2, residues 55-75): RLRVAYEGSD[Ser65Asn]EKGEGAEPLK